The following is an entry in ClinVar:

ClinVar aggregate classification (germline): Uncertain significance (1 of 4 stars; one submission).

Conditions:
CEP290-related ciliopathy. Also called: CEP290 ciliopathy. Identifiers: MedGen CN305601, MONDO:0100451.

Submission:

Myriad Genetics, Inc.
Classification: Uncertain significance for CEP290-related ciliopathy. Last evaluated: 2026-02-10. Review status: criteria provided, single submitter. Criteria: Myriad Autosomal Dominant, Autosomal Recessive and X-Linked Classification Criteria (2023). Collection method: clinical testing. Allele origin: unknown.
Comment: NM_025114.3(CEP290):c.2483+5_2483+10del6 is an intronic variant classified as a variant of uncertain significance in the context of CEP290-related disorders. c.2483+5_2483+10del6 has not been observed in cases with relevant disease. Relevant functional assessments of this variant are not available in the literature. c.2483+5_2483+10del6 has not been observed in referenced population frequency databases. In summary, there is insufficient evidence to classify NM_025114.3(CEP290):c.2483+5_2483+10del6 as pathogenic or benign. Please note: this variant was assessed in the context of healthy population screening.

NM_025114.4(CEP290):c.2483+5_2483+10del

Gene: CEP290 (centrosomal protein 290; minus strand). Cytogenetic location: 12q21.32.
Variant type: Microsatellite.
Coding change: c.2483+5_2483+10del on transcript NM_025114.4 (MANE Select); bases 5 to 10 of the intron after coding-DNA position 2483, 6 bases deleted (AGGTAT; older notation c.2483+5_2483+10delAGGTAT).
Molecular consequence: splice donor variant.
Genome position (GRCh38, 1-based): chr12:88,109,056-88,109,061, ATACCT deleted on the plus strand (AGGTAT on the coding strand, the reverse complement: CEP290 is on the minus strand); deleting any 6 consecutive bases within chr12:88,109,056-88,109,067 gives the same sequence; the c. name uses the placement nearest the transcript's 3' end. VCF-style (leftmost placement, unchanged base first): chr12-88109055-AATACCT-A. GRCh37 (hg19) VCF-style: chr12-88502832-AATACCT-A.
Identifiers: ClinVar variation 5004456 (VCV005004456.1).